The following is an entry in ClinVar:

NM_001903.5(CTNNA1):c.1087G>A (p.Ala363Thr)

Gene: CTNNA1 (catenin alpha 1; plus strand). Cytogenetic location: 5q31.2.
Variant type: single nucleotide variant.
Coding change: c.1087G>A on transcript NM_001903.5 (MANE Select); coding-DNA position 1087, G replaced by A.
Protein change: p.Ala363Thr; replaces alanine 363 with threonine.
Molecular consequence: missense variant. On other transcripts: 5 prime UTR variant (26), intron variant (2).
Genome position (GRCh38, 1-based): chr5:138,886,236, G>A. VCF-style: chr5-138886236-G-A. GRCh37 (hg19) VCF-style: chr5-138221925-G-A.
Other names: c.1087G>A, p.Ala363Thr (NM_001290307.3, NM_001323982.2, NM_001323983.1 and 3 more transcripts); c.778G>A, p.Ala260Thr (NM_001290309.3); c.718G>A, p.Ala240Thr (NM_001290310.3); c.-24G>A (NM_001290312.1, NM_001323987.1, NM_001323988.1 and 18 more transcripts); c.-421G>A (NM_001324006.1, NM_001324007.1, NM_001324008.1 and 1 more transcripts); c.-296G>A (NM_001324013.1); c.-58+10639G>A (NM_001324012.1); c.-61+10639G>A (NM_001324010.1); short protein forms A240T, A260T, A363T.
Identifiers: ClinVar variation 1443779 (VCV001443779.8), dbSNP rs1353922569, ClinGen allele CA361132520.
Genomic context (GRCh38, chr5:138,886,236, plus strand): 5'-ATGAATAAAATGCTCATCTCTTTTCCTTTTATCCAGGCTGGACGTAAAGAAAGAAGTGAT[G>A]CACTCAATTCTGCAATAGATAAAATGACCAAGAAGACCAGGGACTTGCGTAGACAGGTAA-3'
Protein context (NP_001894.2, residues 353-373): GNAGRKERSD[Ala363Thr]LNSAIDKMTK

ClinVar aggregate classification (germline): Uncertain significance (1 of 4 stars; one submission).

Allele frequency attached by ClinVar (database versions not stated): gnomAD exomes below 0.00001.
gnomAD v4.1: 1 of 1,611,198 alleles (0.000062%); highest among the groups gnomAD compares: Non-Finnish European, 0.000085%; no homozygotes.

Submission:

Labcorp Genetics (formerly Invitae), Labcorp
Classification: Uncertain significance. Last evaluated: 2022-11-15. Review status: criteria provided, single submitter. Criteria: Invitae Variant Classification Sherloc (09022015). Collection method: clinical testing. Allele origin: germline.
Comment: In summary, the available evidence is currently insufficient to determine the role of this variant in disease. Therefore, it has been classified as a Variant of Uncertain Significance. Advanced modeling of protein sequence and biophysical properties (such as structural, functional, and spatial information, amino acid conservation, physicochemical variation, residue mobility, and thermodynamic stability) performed at Invitae indicates that this missense variant is not expected to disrupt CTNNA1 protein function. ClinVar contains an entry for this variant (Variation ID: 1443779). This variant has not been reported in the literature in individuals affected with CTNNA1-related conditions. This variant is present in population databases (no rsID available, gnomAD 0.0009%). This sequence change replaces alanine, which is neutral and non-polar, with threonine, which is neutral and polar, at codon 363 of the CTNNA1 protein (p.Ala363Thr).